The following is an entry in ClinVar:

NM_000732.6(CD3D):c.271C>T (p.Arg91Ter)

Gene: CD3D (CD3 delta subunit of T-cell receptor complex; minus strand). Cytogenetic location: 11q23.3.
Variant type: single nucleotide variant.
Coding change: c.271C>T on transcript NM_000732.6 (MANE Select); coding-DNA position 271, C replaced by T.
Protein change: p.Arg91Ter; replaces arginine 91 with a stop codon.
Molecular consequence: nonsense.
Genome position (GRCh38, 1-based): chr11:118,340,378, G>A on the plus strand (C>T on the coding strand, the complement: CD3D is on the minus strand). VCF-style: chr11-118340378-G-A. GRCh37 (hg19) VCF-style: chr11-118211093-G-A.
Other names: c.271C>T, p.Arg91Ter (NM_001040651.2); short protein forms R91*.
Identifiers: ClinVar variation 2869561 (VCV002869561.3), dbSNP rs1172098673, ClinGen allele CA382788985.

ClinVar aggregate classification (germline): Pathogenic (1 of 4 stars; one submission).

Conditions:
Immunodeficiency 19 (IMD19). Also called: IMMUNODEFICIENCY 19, SEVERE COMBINED; CD3-DELTA DEFICIENCY; SEVERE COMBINED IMMUNODEFICIENCY, T CELL-NEGATIVE, B CELL-POSITIVE, NK CELL-POSITIVE; SCID, T CELL-NEGATIVE, B CELL-POSITIVE, NK CELL-POSITIVE. Identifiers: MedGen C3810147, MONDO:0014280, OMIM 615617.

Allele frequency attached by ClinVar (database versions not stated): TOPMed 0.00001.
gnomAD v4.1: 4 of 1,612,236 alleles (0.00025%); highest among the groups gnomAD compares: Non-Finnish European, 0.00034%; no homozygotes.

Submission:

Labcorp Genetics (formerly Invitae), Labcorp
Classification: Pathogenic for Immunodeficiency 19. Last evaluated: 2024-02-17. Review status: criteria provided, single submitter. Criteria: Invitae Variant Classification Sherloc (09022015). Collection method: clinical testing. Allele origin: germline.
Comment: This sequence change creates a premature translational stop signal (p.Arg91*) in the CD3D gene. It is expected to result in an absent or disrupted protein product. Loss-of-function variants in CD3D are known to be pathogenic (PMID: 14602880, 15546002). This variant is present in population databases (no rsID available, gnomAD 0.002%). This variant has not been reported in the literature in individuals affected with CD3D-related conditions. For these reasons, this variant has been classified as Pathogenic.

Literature cited by the submitters: PubMed 14602880; PubMed 15546002.